The following is an entry in ClinVar:

ClinVar aggregate classification (germline): Uncertain significance. Review status: criteria provided, multiple submitters, no conflicts (2 of 4 stars). 4 submissions from 4 submitters: Uncertain significance (3). 1 of the submissions does not count toward it. Last evaluated 2025-09-22.

Conditions:
Inborn genetic diseases. Identifiers: MedGen C0950123, MeSH D030342.
Methylcobalamin deficiency type cblE (HMAE). Also called: VITAMIN B12-RESPONSIVE HOMOCYSTINURIA, cblE TYPE; HOMOCYSTINURIA-MEGALOBLASTIC ANEMIA, cblE COMPLEMENTATION TYPE; HOMOCYSTINURIA-MEGALOBLASTIC ANEMIA, cblE TYPE. Identifiers: Orphanet 2169, Orphanet 622, MedGen C1856057, MONDO:0009354, OMIM 236270.
Neural tube defects, folate-sensitive (NTDFS). Also called: NTD, FOLATE-SENSITIVE. Identifiers: Orphanet 823, MedGen C1866558, MONDO:0011120, OMIM 601634.

Allele frequency attached by ClinVar (database versions not stated): gnomAD exomes 0.00002 and 0.00010; TOPMed 0.00008; ExAC 0.00010; gnomAD 0.00012 and 0.00014; 1000 Genomes Project 30x 0.00016; 1000 Genomes Project 0.00020.
gnomAD v4.1: 55 of 1,613,610 alleles (0.0034%); highest among the groups gnomAD compares: East Asian, 0.069%; no homozygotes.

Submissions (6):

Ambry Genetics
Classification: Uncertain significance for Inborn genetic diseases. Last evaluated: 2025-09-22. Review status: criteria provided, single submitter. Criteria: Ambry Variant Classification Scheme 2023. Collection method: clinical testing. Allele origin: germline.

Labcorp Genetics (formerly Invitae), Labcorp
Classification: Uncertain significance for Methylcobalamin deficiency type cblE. Last evaluated: 2022-06-05. Review status: criteria provided, single submitter. Criteria: Invitae Variant Classification Sherloc (09022015). Collection method: clinical testing. Allele origin: germline.
Comment: This sequence change replaces glutamine, which is neutral and polar, with lysine, which is basic and polar, at codon 325 of the MTRR protein (p.Gln325Lys). This variant is present in population databases (rs138098668, gnomAD 0.2%). This variant has not been reported in the literature in individuals affected with MTRR-related conditions. ClinVar contains an entry for this variant (Variation ID: 641747). Algorithms developed to predict the effect of missense changes on protein structure and function (SIFT, PolyPhen-2, Align-GVGD) all suggest that this variant is likely to be tolerated. Algorithms developed to predict the effect of sequence changes on RNA splicing suggest that this variant may create or strengthen a splice site. In summary, the available evidence is currently insufficient to determine the role of this variant in disease. Therefore, it has been classified as a Variant of Uncertain Significance.

Fulgent Genetics
Classification: Uncertain significance for Methylcobalamin deficiency type cblE; Neural tube defects, folate-sensitive. Last evaluated: 2021-08-20. Review status: criteria provided, single submitter. Criteria: ACMG Guidelines, 2015. Collection method: clinical testing. Allele origin: unknown.

Natera, Inc.
Classification: Uncertain significance for CblE complementation type homocystinuria-megaloblastic anemia due to defect in cobalamin metabolism. Last evaluated: 2020-01-08. Review status: no assertion criteria provided. Collection method: clinical testing. Allele origin: germline. Not counted in ClinVar's aggregate classification.

Dr. Peter K. Rogan Lab, Western University
No classification provided (evidence only). Condition: Familial cancer of breast. Review status: no classification provided. Collection method: in vitro. Allele origin: not applicable. Functional consequence: retained intron. Not counted in ClinVar's aggregate classification.

Dr. Peter K. Rogan Lab, Western University
No classification provided (evidence only). Condition: Gastric cancer. Review status: no classification provided. Collection method: in vitro. Allele origin: not applicable. Functional consequence: retained intron. Not counted in ClinVar's aggregate classification.

NM_002454.3(MTRR):c.973C>A (p.Gln325Lys)

Gene: MTRR (5-methyltetrahydrofolate-homocysteine methyltransferase reductase; plus strand). Cytogenetic location: 5p15.31.
Variant type: single nucleotide variant.
Coding change: c.973C>A on transcript NM_002454.3 (MANE Select); coding-DNA position 973, C replaced by A.
Protein change: p.Gln325Lys; replaces glutamine 325 with lysine.
Molecular consequence: missense variant. On other transcripts: non-coding transcript variant (14).
Genome position (GRCh38, 1-based): chr5:7,885,770, C>A. VCF-style: chr5-7885770-C-A. GRCh37 (hg19) VCF-style: chr5-7885883-C-A.
Other names: c.973C>A, p.Gln325Lys (NM_001364440.2, NM_001364441.2, NM_001364442.2 and 1 more transcripts); short protein forms Q325K.
Identifiers: ClinVar variation 641747 (VCV000641747.8), dbSNP rs138098668, ClinGen allele CA3195777.
Genomic context (GRCh38, chr5:7,885,770, plus strand): 5'-TTTTCCTATCAGCCTGGAGATGCCTTCAGCGTGATCTGCCCTAACAGTGATTCTGAGGTA[C>A]AAAGCCTACTCCAAAGACTGCAGCTTGAAGATAAAAGAGAGCACTGCGTCCTTTTGAAAA-3'
Protein context (NP_002445.2, residues 315-335): VICPNSDSEV[Gln325Lys]SLLQRLQLED